The following is an entry in ClinVar:

NM_033637.4(BTRC):c.139G>A (p.Ala47Thr)

Gene: BTRC (beta-transducin repeat containing E3 ubiquitin protein ligase; plus strand). Cytogenetic location: 10q24.32.
Variant type: single nucleotide variant.
Coding change: c.139G>A on transcript NM_033637.4 (MANE Select); coding-DNA position 139, G replaced by A.
Protein change: p.Ala47Thr; replaces alanine 47 with threonine.
Molecular consequence: missense variant. On other transcripts: intron variant (1).
Genome position (GRCh38, 1-based): chr10:101,430,435, G>A. VCF-style: chr10-101430435-G-A. GRCh37 (hg19) VCF-style: chr10-103190192-G-A.
Other names: c.139G>A, p.Ala47Thr (NM_001256856.2); c.49-31546G>A (NM_003939.5); short protein forms A47T.
Identifiers: ClinVar variation 2896958 (VCV002896958.3), dbSNP rs752077302, ClinGen allele CA5655887.
Genomic context (GRCh38, chr10:101,430,435, plus strand): 5'-TGCTCCAGCCTGGCGGACAGCATGCCTTCGCTGCGATGCCTGTATAACCCAGGGACTGGC[G>A]CACTCACAGCTTTCCAGGTACTTTCTCTGTCTCTGTGGGTTATTTGCGGGCATTAGTGTA-3'
Protein context (NP_378663.1, residues 37-57): LRCLYNPGTG[Ala47Thr]LTAFQNSSER

ClinVar aggregate classification (germline): Uncertain significance (1 of 4 stars; one submission).

Allele frequency attached by ClinVar (database versions not stated): TOPMed 0.00001; gnomAD 0.00003; ExAC 0.00009.
gnomAD v4.1: 59 of 1,613,696 alleles (0.0037%); highest among the groups gnomAD compares: South Asian, 0.037%; no homozygotes.

Submission:

Labcorp Genetics (formerly Invitae), Labcorp
Classification: Uncertain significance. Last evaluated: 2023-08-09. Review status: criteria provided, single submitter. Criteria: Invitae Variant Classification Sherloc (09022015). Collection method: clinical testing. Allele origin: germline.
Comment: This sequence change replaces alanine, which is neutral and non-polar, with threonine, which is neutral and polar, at codon 47 of the BTRC protein (p.Ala47Thr). This variant is present in population databases (rs752077302, gnomAD 0.05%). This variant has not been reported in the literature in individuals affected with BTRC-related conditions. An algorithm developed to predict the effect of missense changes on protein structure and function (PolyPhen-2) suggests that this variant is likely to be tolerated. In summary, the available evidence is currently insufficient to determine the role of this variant in disease. Therefore, it has been classified as a Variant of Uncertain Significance.